The following is an entry in ClinVar:

ClinVar aggregate classification (germline): Pathogenic (1 of 4 stars; one submission).

Conditions:
Primary ciliary dyskinesia 3. Identifiers: Orphanet 244, MedGen C1837618, MONDO:0012085, OMIM 608644.

Submission:

Myriad Genetics, Inc.
Classification: Pathogenic for Primary ciliary dyskinesia 3. Last evaluated: 2024-05-14. Review status: criteria provided, single submitter. Criteria: Myriad Autosomal Dominant, Autosomal Recessive and X-Linked Classification Criteria (2023). Collection method: clinical testing. Allele origin: unknown.
Comment: NM_001369.2(DNAH5):c.11624_11625insAAGA(M3875Ifs*8) is expected to be pathogenic in the context of primary ciliary dyskinesia, DNAH5-related. This variant is predicted to lead to an abnormal or absent protein product due to the creation of a premature termination codon in DNAH5, a gene where loss-of-function variants are known to be pathogenic. Please note: this variant was assessed in the context of healthy population screening.

NM_001369.3(DNAH5):c.11624_11625insAAGA (p.Met3875fs)

Gene: DNAH5 (dynein axonemal heavy chain 5; minus strand). Cytogenetic location: 5p15.2.
Variant type: Insertion.
Coding change: c.11624_11625insAAGA on transcript NM_001369.3 (MANE Select); coding-DNA positions 11624 to 11625, AAGA inserted.
Protein change: p.Met3875fs; shifts the reading frame from methionine 3875.
Molecular consequence: frameshift variant.
Genome position: GRCh38 VCF-style: chr5-13735267-C-CTCTT. GRCh37 (hg19) VCF-style: chr5-13735376-C-CTCTT.
Other names: short protein forms M3875fs.
Identifiers: ClinVar variation 5016417 (VCV005016417.1).